The following is an entry in ClinVar:

ClinVar aggregate classification (germline): Uncertain significance (1 of 4 stars; one submission).

Conditions:
Hereditary diffuse gastric adenocarcinoma (HDGC). Also called: DIFFUSE GASTRIC AND LOBULAR BREAST CANCER SYNDROME. Identifiers: Orphanet 26106, MedGen C1708349, MONDO:0007648, OMIM 137215.

Submission:

Labcorp Genetics (formerly Invitae), Labcorp
Classification: Uncertain significance for Hereditary diffuse gastric adenocarcinoma. Last evaluated: 2025-06-05. Review status: criteria provided, single submitter. Criteria: Invitae Variant Classification Sherloc (09022015). Collection method: clinical testing. Allele origin: germline.
Comment: This sequence change replaces asparagine, which is neutral and polar, with lysine, which is basic and polar, at codon 315 of the CDH1 protein (p.Asn315Lys). This variant is not present in population databases (gnomAD no frequency). This variant has not been reported in the literature in individuals affected with CDH1-related conditions. An algorithm developed to predict the effect of missense changes on protein structure and function outputs the following: PolyPhen-2: "Benign". The lysine amino acid residue is found in multiple mammalian species, which suggests that this missense change does not adversely affect protein function. In summary, the available evidence is currently insufficient to determine the role of this variant in disease. Therefore, it has been classified as a Variant of Uncertain Significance.

NM_004360.5(CDH1):c.945T>A (p.Asn315Lys)

Gene: CDH1 (cadherin 1; plus strand). Cytogenetic location: 16q22.1.
Variant type: single nucleotide variant.
Coding change: c.945T>A on transcript NM_004360.5 (MANE Select); coding-DNA position 945, T replaced by A.
Protein change: p.Asn315Lys; replaces asparagine 315 with lysine.
Molecular consequence: missense variant. On other transcripts: 5 prime UTR variant (2).
Genome position (GRCh38, 1-based): chr16:68,811,796, T>A. VCF-style: chr16-68811796-T-A. GRCh37 (hg19) VCF-style: chr16-68845699-T-A.
Other names: c.945T>A, p.Asn315Lys (NM_001317184.2); c.-671T>A (NM_001317185.2); c.-875T>A (NM_001317186.2); short protein forms N315K.
Identifiers: ClinVar variation 4720826 (VCV004720826.1).
Genomic context (GRCh38, chr16:68,811,796, plus strand): 5'-CTACAATGCCGCCATCGCTTACACCATCCTCAGCCAAGATCCTGAGCTCCCTGACAAAAA[T>A]ATGTTCACCATTAACAGGAACACAGGAGTCATCAGTGTGGTCACCACTGGGCTGGACCGA-3'
Protein context (NP_004351.1, residues 305-325): LSQDPELPDK[Asn315Lys]MFTINRNTGV